The following is an entry in ClinVar:

ClinVar aggregate classification (germline): Benign/Likely benign. Review status: criteria provided, single submitter (1 of 4 stars). 2 submissions from 1 submitter: Benign (1); Likely benign (1). Last evaluated 2018-01-12.

Conditions:
Cone-rod dystrophy 11 (CORD11). Identifiers: Orphanet 1872, MedGen C1835865, MONDO:0012483, OMIM 610381.
Age related macular degeneration 6. Identifiers: MedGen C3151060, MONDO:0013406, OMIM 613757.

Allele frequency attached by ClinVar (database versions not stated): gnomAD 0.00005 and 0.00014; TOPMed 0.00015; 1000 Genomes Project 0.00060; 1000 Genomes Project 30x 0.00109.

Submissions (2):

Illumina Laboratory Services, Illumina
Classification: Likely benign for Age related macular degeneration 6. Last evaluated: 2018-01-12. Review status: criteria provided, single submitter. Criteria: ICSL Variant Classification Criteria 13 December 2019. Collection method: clinical testing. Allele origin: germline.
Comment: This variant was observed in the ICSL laboratory as part of a predisposition screen in an ostensibly healthy population. It had not been previously curated by ICSL or reported in the Human Gene Mutation Database (HGMD: prior to June 1st, 2018), and was therefore a candidate for classification through an automated scoring system. Utilizing variant allele frequency, disease prevalence and penetrance estimates, and inheritance mode, an automated score was calculated to assess if this variant is too frequent to cause the disease. Based on the score and internal cut-off values, a variant classified as likely benign is not then subjected to further curation. The score for this variant resulted in a classification of likely benign for this disease.

Illumina Laboratory Services, Illumina
Classification: Benign for Cone-rod dystrophy 11. Last evaluated: 2018-01-12. Review status: criteria provided, single submitter. Criteria: ICSL Variant Classification Criteria 13 December 2019. Collection method: clinical testing. Allele origin: germline.
Comment: This variant was observed in the ICSL laboratory as part of a predisposition screen in an ostensibly healthy population. It had not been previously curated by ICSL or reported in the Human Gene Mutation Database (HGMD: prior to June 1st, 2018), and was therefore a candidate for classification through an automated scoring system. Utilizing variant allele frequency, disease prevalence and penetrance estimates, and inheritance mode, an automated score was calculated to assess if this variant is too frequent to cause the disease. Based on the score and internal cut-off values, a variant classified as benign is not then subjected to further curation. The score for this variant resulted in a classification of benign for this disease.

NM_001319074.4(RAX2):c.*1054C>T

Gene: RAX2 (retina and anterior neural fold homeobox 2; minus strand). Cytogenetic location: 19p13.3.
Variant type: single nucleotide variant.
Coding change: c.*1054C>T on transcript NM_001319074.4 (MANE Select); 1054 bases downstream of the stop codon, C replaced by T.
Molecular consequence: 3 prime UTR variant.
Genome position (GRCh38, 1-based): chr19:3,769,567, G>A on the plus strand (C>T on the coding strand, the complement: RAX2 is on the minus strand). VCF-style: chr19-3769567-G-A. GRCh37 (hg19) VCF-style: chr19-3769565-G-A.
Other names: c.*1054C>T (NM_032753.4).
Identifiers: ClinVar variation 328948 (VCV000328948.5), dbSNP rs368356816, ClinGen allele CA10642683.
Genomic context (GRCh38, chr19:3,769,567, plus strand): 5'-CGCCTAGAGATGGGGTGACCTGGTGATCTGGGAGTGATCTGGGGAGCCCAGGCTGGAGAC[G>A]GGGAGGGTAGCTACTGCAGCTCCTGCCCTGGTGCCGCACTTCTGTCCCGGGAGGTGGCGC-3'